The following continues an entry in ClinVar:

NM_000051.4(ATM):c.2770C>T (p.Arg924Trp)

Gene: ATM. ClinVar aggregate classification (germline): Conflicting classifications of pathogenicity. Uncertain significance (19); Likely benign (1).

Submissions 9 to 25 of 25:

KCCC/NGS Laboratory, Kuwait Cancer Control Center
Classification: Uncertain significance for Familial cancer of breast. Last evaluated: 2024-07-31. Review status: criteria provided, single submitter. Criteria: ACMG Guidelines, 2015. Collection method: clinical testing. Allele origin: germline. Inheritance: Autosomal dominant inheritance. Affected: yes. Observed: 1 heterozygote.
Comment: This sequence change replaces arginine, which is basic and polar, with tryptophan, which is neutral and slightly polar, at codon 924 of the ATM protein (p.Arg924Trp). This variant is present in population databases (rs55723361, gnomAD 0.06%). This missense change has been observed in individual(s) with breast cancer, colon cancer, diffuse large B-cell lymphoma, and/or ovarian cancer (PMID: 20305132, 27978560, 28202063, 28211887, 29522266, 30303537, 31742824, 32658311). ClinVar contains an entry for this variant (Variation ID: 127358). In silico analysis supports that this missense variant has a deleterious effect on protein structure/function; This variant is associated with the following publications: (PMID: 28202063, 17344846, 28211887, 27978560, 28873162, 28878254, 30303537, 31432501, 33471991, 22529920, 33436325, 32658311, 31742824, 32832836, 31206626, 29522266, 23960188, 20305132, 36029002, 34284872, 36243179). In summary, the available evidence is currently insufficient to determine the role of this variant in disease. Therefore, it has been classified as a Variant of Uncertain Significance.

Blueprint Genetics
Classification: Uncertain significance. Last evaluated: 2024-07-25. Review status: criteria provided, single submitter. Criteria: ACMG Guidelines, 2015. Collection method: clinical testing. Allele origin: germline.

GeneDx
Classification: Uncertain significance. Last evaluated: 2024-06-18. Review status: criteria provided, single submitter. Criteria: GeneDx Variant Classification Process June 2021. Collection method: clinical testing. Allele origin: germline. Affected: yes.
Comment: In silico analysis supports that this missense variant has a deleterious effect on protein structure/function; This variant is associated with the following publications: (PMID: 28202063, 17344846, 28211887, 27978560, 28873162, 28878254, 30303537, 31432501, 33471991, 22529920, 33436325, 32658311, 31742824, 32832836, 31206626, 29522266, 23960188, 20305132, 36029002, 34284872, 36243179)

Department of Pathology and Laboratory Medicine, Sinai Health System
Classification: Uncertain significance for Familial cancer of breast. Last evaluated: 2024-05-21. Review status: criteria provided, single submitter. Criteria: ACMG Guidelines, 2015. Collection method: clinical testing. Allele origin: germline. Affected: yes.

Myriad Genetics, Inc.
Classification: Likely benign for Familial cancer of breast. Last evaluated: 2024-05-10. Review status: criteria provided, single submitter. Criteria: Myriad Autosomal Dominant, Autosomal Recessive and X-Linked Classification Criteria (2023). Collection method: clinical testing. Allele origin: unknown.
Comment: This variant is considered likely benign. This variant is strongly associated with less severe personal and family histories of cancer, typical for individuals without pathogenic variants in this gene [PMID: 25085752].

Baylor Genetics
Classification: Uncertain significance for Familial cancer of breast. Last evaluated: 2024-03-17. Review status: criteria provided, single submitter. Criteria: ACMG Guidelines, 2015. Collection method: clinical testing. Allele origin: unknown.

ARUP Laboratories, Molecular Genetics and Genomics, ARUP Laboratories
Classification: Uncertain significance. Last evaluated: 2024-02-23. Review status: criteria provided, single submitter. Criteria: ARUP Molecular Germline Variant Investigation Process 2024. Collection method: clinical testing. Allele origin: germline.

Athena Diagnostics
Classification: Uncertain significance. Last evaluated: 2022-10-15. Review status: criteria provided, single submitter. Criteria: Athena Diagnostics Criteria. Collection method: clinical testing. Allele origin: unknown.
Comment: Available data are insufficient to determine the clinical significance of the variant at this time. The frequency of this variant in the general population is higher than would generally be expected for pathogenic variants in this gene. Computational tools disagree on the variant's effect on normal protein function.

MGZ Medical Genetics Center
Classification: Uncertain significance for Familial cancer of breast. Last evaluated: 2022-07-25. Review status: criteria provided, single submitter. Criteria: ACMG Guidelines, 2015. Collection method: clinical testing. Allele origin: germline. Affected: yes. Observed: 2 variant alleles.
Comment: ACMG criteria applied: PM2_SUP

Sema4
Classification: Uncertain significance for Hereditary cancer-predisposing syndrome. Last evaluated: 2022-02-09. Review status: criteria provided, single submitter. Criteria: Sema4 Curation Guidelines. Collection method: curation. Allele origin: germline.
Comment: The ATM c.2770C>T (p.R924W) variant has been reported in heterozygosity in multiple individuals with breast cancer, colon cancer, or lymphoma (PMID: 28202063, 27978560, 23960188, 20305132, 32658311, 29522266). It has also been identified in breast cancer case-control studies in both cases and controls at similar frequencies (PMID: 33471991, 30303537). This variant was observed in 6/10368 chromosomes in the Ashkenazi Jewish population according to the Genome Aggregation Database (PMID: 32461654) and has been reported in ClinVar (Variation ID: 127358). Functional studies have not been performed, and in silico predictions of the variant's effect on protein function are inconclusive. Based on the current evidence available, this variant is interpreted as a variant of uncertain significance.

Fulgent Genetics
Classification: Uncertain significance for Familial cancer of breast; Ataxia-telangiectasia syndrome. Last evaluated: 2021-11-09. Review status: criteria provided, single submitter. Criteria: ACMG Guidelines, 2015. Collection method: clinical testing. Allele origin: unknown.

Mendelics
Classification: Uncertain significance for Ataxia-telangiectasia syndrome. Last evaluated: 2018-07-02. Review status: criteria provided, single submitter. Criteria: Mendelics Assertion Criteria 2017. Collection method: clinical testing. Allele origin: unknown.

Natera, Inc.
Classification: Uncertain significance for Ataxia-telangiectasia. Last evaluated: 2020-01-10. Review status: no assertion criteria provided. Collection method: clinical testing. Allele origin: germline. Not counted in ClinVar's aggregate classification.

Counsyl
Classification: Uncertain significance for Ataxia-telangiectasia syndrome. Last evaluated: 2017-11-02. Review status: no assertion criteria provided. Collection method: clinical testing. Allele origin: unknown. Not counted in ClinVar's aggregate classification.

Clinical Genetics Laboratory, Department of Pathology, Netherlands Cancer Institute
Classification: Uncertain significance. Review status: no assertion criteria provided. Collection method: clinical testing. Allele origin: germline. Affected: yes. Study: VKGL Data-share Consensus. Not counted in ClinVar's aggregate classification.

Diagnostic Laboratory, Department of Genetics, University Medical Center Groningen
Classification: Uncertain significance. Review status: no assertion criteria provided. Collection method: clinical testing. Allele origin: germline. Affected: yes. Study: VKGL Data-share Consensus. Not counted in ClinVar's aggregate classification.

Joint Genome Diagnostic Labs from Nijmegen and Maastricht, Radboudumc and MUMC+
Classification: Uncertain significance. Review status: no assertion criteria provided. Collection method: clinical testing. Allele origin: germline. Affected: yes. Study: VKGL Data-share Consensus. Not counted in ClinVar's aggregate classification.

Literature cited by the submitters: PubMed 20305132 (cited by 6 submitters); PubMed 27978560 (cited by 8 submitters); PubMed 28202063 (cited by 7 submitters); PubMed 28211887 (cited by 3 submitters); PubMed 29522266 (cited by 6 submitters); PubMed 30303537 (cited by 7 submitters); PubMed 31742824 (cited by 4 submitters); PubMed 32658311 (cited by 8 submitters); PubMed 17344846 (cited by Women's Health and Genetics/Laboratory Corporation of America, LabCorp); PubMed 23960188 (cited by 3 submitters); PubMed 22529920 (cited by Women's Health and Genetics/Laboratory Corporation of America, LabCorp and Athena Diagnostics); PubMed 28282032 (cited by Women's Health and Genetics/Laboratory Corporation of America, LabCorp and Athena Diagnostics); PubMed 31206626 (cited by 3 submitters); PubMed 31432501 (cited by 6 submitters); PubMed 33436325 (cited by 4 submitters); PubMed 36243179 (cited by Women's Health and Genetics/Laboratory Corporation of America, LabCorp and Color Diagnostics, LLC DBA Color Health); PubMed 32832836 (cited by Ambry Genetics); PubMed 33471991 (cited by 4 submitters); PubMed 38136308 (cited by Color Diagnostics, LLC DBA Color Health); PubMed 25085752 (cited by Myriad Genetics, Inc.).